The following is an entry in ClinVar:

ClinVar aggregate classification (germline): Uncertain significance (1 of 4 stars; one submission).

Submission:

GeneDx
Classification: Uncertain significance. Last evaluated: 2022-08-10. Review status: criteria provided, single submitter. Criteria: GeneDx Variant Classification Process June 2021. Collection method: clinical testing. Allele origin: germline. Affected: yes.
Comment: Not observed at significant frequency in large population cohorts (gnomAD); In silico analysis supports that this missense variant has a deleterious effect on protein structure/function; Has not been previously published as pathogenic or benign to our knowledge

NM_015340.4(LARS2):c.2069G>C (p.Arg690Thr)

Gene: LARS2 (leucyl-tRNA synthetase 2, mitochondrial; plus strand). Cytogenetic location: 3p21.31.
Variant type: single nucleotide variant.
Coding change: c.2069G>C on transcript NM_015340.4 (MANE Select); coding-DNA position 2069, G replaced by C.
Protein change: p.Arg690Thr; replaces arginine 690 with threonine.
Molecular consequence: missense variant.
Genome position (GRCh38, 1-based): chr3:45,517,927, G>C. VCF-style: chr3-45517927-G-C. GRCh37 (hg19) VCF-style: chr3-45559419-G-C.
Other names: c.2069G>C, p.Arg690Thr (NM_001368263.1); short protein forms R690T.
Identifiers: ClinVar variation 2429709 (VCV002429709.1), dbSNP rs2529102603, ClinGen allele CA352428661.